The following is an entry in ClinVar:

ClinVar aggregate classification (germline): Uncertain significance (1 of 4 stars; one submission).

Conditions:
Hereditary cancer-predisposing syndrome. Also called: Hereditary neoplastic syndrome; Neoplastic Syndromes, Hereditary; Tumor predisposition; Hereditary Cancer Syndrome. Identifiers: Orphanet 140162, MedGen C0027672, MeSH D009386, MONDO:0015356.

Submission:

Ambry Genetics
Classification: Uncertain significance for Hereditary cancer-predisposing syndrome. Last evaluated: 2025-08-27. Review status: criteria provided, single submitter. Criteria: Ambry Variant Classification Scheme 2023. Collection method: clinical testing. Allele origin: germline.
Comment: The p.A20G variant (also known as c.59C>G), located in coding exon 2 of the MUTYH gene, results from a C to G substitution at nucleotide position 59. The alanine at codon 20 is replaced by glycine, an amino acid with similar properties. This amino acid position is conserved. In addition, this alteration is predicted to be tolerated by in silico analysis. Based on the available evidence, the clinical significance of this variant remains unclear.

NM_001048174.2(MUTYH):c.17C>G (p.Ala6Gly)

Gene: MUTYH (mutY DNA glycosylase; minus strand). Cytogenetic location: 1p34.1.
Variant type: single nucleotide variant.
Coding change: c.17C>G on transcript NM_001048174.2 (MANE Select); coding-DNA position 17, C replaced by G.
Protein change: p.Ala6Gly; replaces alanine 6 with glycine.
Molecular consequence: missense variant. On other transcripts: 5 prime UTR variant (7), non-coding transcript variant (7).
Genome position (GRCh38, 1-based): chr1:45,334,489, G>C on the plus strand (C>G on the coding strand, the complement: MUTYH is on the minus strand). VCF-style: chr1-45334489-G-C. GRCh37 (hg19) VCF-style: chr1-45800161-G-C.
Other names: c.17C>G, p.Ala6Gly (NM_001048171.2, NM_001048172.2, NM_001048173.2 and 15 more transcripts); c.59C>G, p.Ala20Gly (NM_001128425.2, NM_001293190.2, NM_001407069.1 and 2 more transcripts); c.-196C>G (NM_001293192.2, NM_001293196.2, NM_001407091.1); c.-255C>G (NM_001350650.2); c.-191C>G (NM_001350651.2, NM_001407082.1); c.-140C>G (NM_001407075.1); c.35C>G, p.Ala12Gly (NM_001407087.1); short protein forms A12G, A20G, A6G.
Identifiers: ClinVar variation 4113750 (VCV004113750.1).